The following is an entry in ClinVar:

NM_015662.3(IFT172):c.1247A>G (p.Glu416Gly)

Gene: IFT172 (intraflagellar transport 172; minus strand). Cytogenetic location: 2p23.3.
Variant type: single nucleotide variant.
Coding change: c.1247A>G on transcript NM_015662.3 (MANE Select); coding-DNA position 1247, A replaced by G.
Protein change: p.Glu416Gly; replaces glutamic acid 416 with glycine.
Molecular consequence: missense variant.
Genome position (GRCh38, 1-based): chr2:27,477,295, T>C on the plus strand (A>G on the coding strand, the complement: IFT172 is on the minus strand). VCF-style: chr2-27477295-T-C. GRCh37 (hg19) VCF-style: chr2-27700162-T-C.
Other names: c.1247A>G (NM_015662.2); short protein forms E416G.
Identifiers: ClinVar variation 1433558 (VCV001433558.6), dbSNP rs779907319, ClinGen allele CA1580719.

ClinVar aggregate classification (germline): Uncertain significance. Review status: criteria provided, multiple submitters, no conflicts (2 of 4 stars). 3 submissions from 3 submitters: Uncertain significance (2). 1 of the submissions does not count toward it. Last evaluated 2024-05-17.

Conditions:
Short-rib thoracic dysplasia 10 with or without polydactyly (SRTD10). Identifiers: Orphanet 474, MedGen C3810175, MONDO:0014284, OMIM 615630.
Retinitis pigmentosa 71 (RP71). Identifiers: Orphanet 791, MedGen C4225342, MONDO:0014618, OMIM 616394.
Bardet-Biedl syndrome 20. Identifiers: MedGen C4310707, MONDO:0023670, OMIM 619471, MONDO:0014926.
IFT172-related disorder. Also called: IFT172-related condition; IFT172-related disorders.

Allele frequency attached by ClinVar (database versions not stated): gnomAD exomes below 0.00001 and 0.00001; ExAC 0.00001; gnomAD 0.00003 and 0.00004; TOPMed 0.00003.
gnomAD v4.1: 9 of 1,613,946 alleles (0.00056%); highest among the groups gnomAD compares: African/African-American, 0.0093%; no homozygotes.

Submissions (3):

Fulgent Genetics
Classification: Uncertain significance for Short-rib thoracic dysplasia 10 with or without polydactyly; Retinitis pigmentosa 71; Bardet-Biedl syndrome 20. Last evaluated: 2024-05-17. Review status: criteria provided, single submitter. Criteria: ACMG Guidelines, 2015. Collection method: clinical testing. Allele origin: germline.

Labcorp Genetics (formerly Invitae), Labcorp
Classification: Uncertain significance for Retinitis pigmentosa 71; Short-rib thoracic dysplasia 10 with or without polydactyly. Last evaluated: 2022-07-06. Review status: criteria provided, single submitter. Criteria: Invitae Variant Classification Sherloc (09022015). Collection method: clinical testing. Allele origin: germline.
Comment: This sequence change replaces glutamic acid, which is acidic and polar, with glycine, which is neutral and non-polar, at codon 416 of the IFT172 protein (p.Glu416Gly). This variant is present in population databases (rs779907319, gnomAD 0.008%). This variant has not been reported in the literature in individuals affected with IFT172-related conditions. ClinVar contains an entry for this variant (Variation ID: 1433558). Algorithms developed to predict the effect of missense changes on protein structure and function are either unavailable or do not agree on the potential impact of this missense change (SIFT: "Deleterious"; PolyPhen-2: "Possibly Damaging"; Align-GVGD: "Class C0"). In summary, the available evidence is currently insufficient to determine the role of this variant in disease. Therefore, it has been classified as a Variant of Uncertain Significance.

PreventionGenetics, part of Exact Sciences
Classification: Uncertain significance for IFT172-related condition. Last evaluated: 2024-04-18. Review status: no assertion criteria provided. Collection method: clinical testing. Allele origin: germline. Not counted in ClinVar's aggregate classification.
Comment: The IFT172 c.1247A>G variant is predicted to result in the amino acid substitution p.Glu416Gly. To our knowledge, this variant has not been reported in the literature. This variant is reported in 0.0080% of alleles in individuals of African descent in gnomAD. At this time, the clinical significance of this variant is uncertain due to the absence of conclusive functional and genetic evidence.